The following is an entry in ClinVar:

ClinVar aggregate classification (germline): Likely benign (1 of 4 stars; one submission).

Conditions:
Pheochromocytoma/paraganglioma syndrome 5. Also called: Paragangliomas 5; SDHA-Related Hereditary Paraganglioma-Pheochromocytoma Syndrome. Identifiers: Orphanet 29072, MedGen C3279992, MONDO:0013602, OMIM 614165.

Submission:

Myriad Genetics, Inc.
Classification: Likely benign for Pheochromocytoma/paraganglioma syndrome 5. Last evaluated: 2025-03-11. Review status: criteria provided, single submitter. Criteria: Myriad Autosomal Dominant, Autosomal Recessive and X-Linked Classification Criteria (2023). Collection method: clinical testing. Allele origin: unknown.
Comment: This variant is considered likely benign. This variant is intronic and is not expected to impact mRNA splicing.

NM_004168.4(SDHA):c.1909-5dup

Gene: SDHA (succinate dehydrogenase complex flavoprotein subunit A; plus strand). Cytogenetic location: 5p15.33.
Variant type: Duplication.
Coding change: c.1909-5dup on transcript NM_004168.4 (MANE Select); 5 bases into the intron before coding-DNA position 1909, one base duplicated (T; older notation c.1909-5dupT).
Molecular consequence: intron variant.
Genome position (GRCh38, 1-based): chr5:256,329, T duplicated; the last of 4 consecutive T bases (chr5:256,326-256,329); duplicating any one gives the same sequence. VCF-style (leftmost placement, unchanged base first): chr5-256325-C-CT. GRCh37 (hg19) VCF-style: chr5-256440-C-CT.
Other names: c.1666-5dup (NM_001330758.2); c.1765-5dup (NM_001294332.2).
Identifiers: ClinVar variation 3904574 (VCV003904574.1).
Genomic context (GRCh38, chr5:256,325, plus strand): 5'-AAAAGGAACACAAGAGATGGCTTTTTGTACATTTTTGTGCTTAACTTACCACTGACTCTT[C>CT]TTTTCAAGGTCACTCTGGAATATAGACCCGTGATCGACAAAACTTTGAACGAGGCTGACT-3'